The following is an entry in ClinVar:

ClinVar aggregate classification (germline): Uncertain significance. Review status: criteria provided, multiple submitters, no conflicts (2 of 4 stars). 4 submissions from 4 submitters: Uncertain significance (3). 1 of the submissions does not count toward it. Last evaluated 2024-10-13.

Conditions:
ACTN4-related disorder. Also called: ACTN4-related condition.
Inborn genetic diseases. Identifiers: MedGen C0950123, MeSH D030342.
Focal segmental glomerulosclerosis 1 (FSGS1). Identifiers: Orphanet 656, MedGen C4551527, MONDO:0011303, OMIM 603278.

Allele frequency attached by ClinVar (database versions not stated): gnomAD exomes below 0.00001 and 0.00004; TOPMed below 0.00001.
gnomAD v4.1: 61 of 1,613,960 alleles (0.0038%); highest among the groups gnomAD compares: Middle Eastern, 0.64%; 4 homozygotes.

Submissions (4):

Genomic Medicine Center of Excellence, King Faisal Specialist Hospital and Research Centre
Classification: Uncertain significance for Focal segmental glomerulosclerosis 1. Last evaluated: 2024-10-13. Review status: criteria provided, single submitter. Criteria: ACMG Guidelines, 2015. Collection method: clinical testing. Allele origin: germline.
Comment: This variant (GRCh38; NM_004924.6:c.1768A>G:p.Ile590Val) results in a missense mutation with the conversion of Isoleucine (Nonpolar amino acid) to Valine (Nonpolar amino acid) in the ACTN4 protein. Not observed at significant frequency in large population cohorts (gnomAD). Missense variant in a gene that has a low rate of benign missense variation and in which missense variants are a common mechanism of disease. ClinVar contains an entry for this variant (Variation ID: 1516270). A literature search was performed for the gene and associated variants. Based on this search no publications were found. Based on conflicting evidence or insufficient data to determine whether the variant is benign or pathogenic, the clinical significance of this alteration remains unclear. In summary, this variant meets our criteria for classification as of Unknown Clinical Significance based on the evidence outlined.

Labcorp Genetics (formerly Invitae), Labcorp
Classification: Uncertain significance. Last evaluated: 2022-06-18. Review status: criteria provided, single submitter. Criteria: Invitae Variant Classification Sherloc (09022015). Collection method: clinical testing. Allele origin: germline.
Comment: In summary, the available evidence is currently insufficient to determine the role of this variant in disease. Therefore, it has been classified as a Variant of Uncertain Significance. Algorithms developed to predict the effect of missense changes on protein structure and function are either unavailable or do not agree on the potential impact of this missense change (SIFT: "Not Available"; PolyPhen-2: "Benign"; Align-GVGD: "Not Available"). This variant has not been reported in the literature in individuals affected with ACTN4-related conditions. This variant is present in population databases (no rsID available, gnomAD 0.0009%). This sequence change replaces isoleucine, which is neutral and non-polar, with valine, which is neutral and non-polar, at codon 590 of the ACTN4 protein (p.Ile590Val).

Ambry Genetics
Classification: Uncertain significance for Inborn genetic diseases. Last evaluated: 2022-01-26. Review status: criteria provided, single submitter. Criteria: Ambry Variant Classification Scheme 2023. Collection method: clinical testing. Allele origin: germline.

PreventionGenetics, part of Exact Sciences
Classification: Uncertain significance for ACTN4-related condition. Last evaluated: 2024-02-07. Review status: no assertion criteria provided. Collection method: clinical testing. Allele origin: germline. Not counted in ClinVar's aggregate classification.
Comment: The ACTN4 c.1768A>G variant is predicted to result in the amino acid substitution p.Ile590Val. To our knowledge, this variant has not been reported in the literature. This variant is reported in 0.00088% of alleles in individuals of European (Non-Finnish) descent in gnomAD. At this time, the clinical significance of this variant is uncertain due to the absence of conclusive functional and genetic evidence.

NM_004924.6(ACTN4):c.1768A>G (p.Ile590Val)

Gene: ACTN4 (actinin alpha 4; plus strand). Cytogenetic location: 19q13.2.
Variant type: single nucleotide variant.
Coding change: c.1768A>G on transcript NM_004924.6 (MANE Select); coding-DNA position 1768, A replaced by G.
Protein change: p.Ile590Val; replaces isoleucine 590 with valine.
Molecular consequence: missense variant.
Genome position (GRCh38, 1-based): chr19:38,724,232, A>G. VCF-style: chr19-38724232-A-G. GRCh37 (hg19) VCF-style: chr19-39214872-A-G.
Other names: c.1768A>G (NM_004924.4, NM_004924.5); c.1768A>G, p.Ile590Val (NM_001322033.2); short protein forms I590V.
Identifiers: ClinVar variation 1516270 (VCV001516270.10), dbSNP rs865815931, ClinGen allele CA308120086.